The following is an entry in ClinVar:

ClinVar aggregate classification (germline): Uncertain significance (0 of 4 stars; one submission).

Conditions:
BBS10-related disorder. Also called: BBS10-related condition.

gnomAD v4.1: 11 of 1,613,972 alleles (0.00068%); highest among the groups gnomAD compares: African/African-American, 0.004%; no homozygotes.

Submission:

PreventionGenetics, part of Exact Sciences
Classification: Uncertain significance for BBS10-related condition. Last evaluated: 2024-05-22. Review status: no assertion criteria provided. Collection method: clinical testing. Allele origin: germline.
Comment: The BBS10 c.1310A>G variant is predicted to result in the amino acid substitution p.Asn437Ser. To our knowledge, this variant has not been reported in the literature. This variant is reported in 0.0040% of alleles in individuals of African descent in gnomAD. At this time, the clinical significance of this variant is uncertain due to the absence of conclusive functional and genetic evidence.

NM_024685.4(BBS10):c.1310A>G (p.Asn437Ser)

Gene: BBS10 (Bardet-Biedl syndrome 10; minus strand). Cytogenetic location: 12q21.2.
Variant type: single nucleotide variant.
Coding change: c.1310A>G on transcript NM_024685.4 (MANE Select); coding-DNA position 1310, A replaced by G.
Protein change: p.Asn437Ser; replaces asparagine 437 with serine.
Molecular consequence: missense variant.
Genome position (GRCh38, 1-based): chr12:76,346,675, T>C on the plus strand (A>G on the coding strand, the complement: BBS10 is on the minus strand). VCF-style: chr12-76346675-T-C. GRCh37 (hg19) VCF-style: chr12-76740455-T-C.
Other names: short protein forms N437S.
Identifiers: ClinVar variation 3351235 (VCV003351235.1).
Genomic context (GRCh38, chr12:76,346,675, plus strand): 5'-GCTTGATAACTTTCTCCACTGTTCTTATAAATAAAAAGACTTGAAGTGCCATTTTGGTCA[T>C]TGGTTTGTGTCATGTAATTTAGATCAAGGTCTTTAAATAATTGCCGAAGCATTTTAAGTG-3'
Protein context (NP_078961.3, residues 427-447): DLDLNYMTQT[Asn437Ser]DQNGTSSLFI